The following is an entry in ClinVar:

ClinVar aggregate classification (germline): Uncertain significance. Review status: criteria provided, multiple submitters, no conflicts (2 of 4 stars). 2 submissions from 2 submitters: Uncertain significance (2). Last evaluated 2025-11-17.

Conditions:
Inborn genetic diseases. Identifiers: MedGen C0950123, MeSH D030342.
46,XY sex reversal 6. Also called: 46,XY GONADAL DYSGENESIS, PARTIAL OR COMPLETE, MAP3K1-RELATED; 46,XY SEX REVERSAL, PARTIAL OR COMPLETE, MAP3K1-RELATED. Identifiers: MedGen C3151064, MONDO:0013410, OMIM 613762.

gnomAD v4.1: 7 of 1,299,022 alleles (0.00054%); highest among the groups gnomAD compares: Non-Finnish European, 0.00068%; no homozygotes.

Submissions (2):

Labcorp Genetics (formerly Invitae), Labcorp
Classification: Uncertain significance for 46,XY sex reversal 6. Last evaluated: 2025-11-17. Review status: criteria provided, single submitter. Criteria: Invitae Variant Classification Sherloc (09022015). Collection method: clinical testing. Allele origin: germline.
Comment: This sequence change replaces alanine, which is neutral and non-polar, with proline, which is neutral and non-polar, at codon 5 of the MAP3K1 protein (p.Ala5Pro). This variant is not present in population databases (gnomAD no frequency). This variant has not been reported in the literature in individuals affected with MAP3K1-related conditions. ClinVar contains an entry for this variant (Variation ID: 1917474). Invitae Evidence Modeling of protein sequence and biophysical properties (such as structural, functional, and spatial information, amino acid conservation, physicochemical variation, residue mobility, and thermodynamic stability) indicates that this missense variant is not expected to disrupt MAP3K1 protein function with a negative predictive value of 95%. In summary, the available evidence is currently insufficient to determine the role of this variant in disease. Therefore, it has been classified as a Variant of Uncertain Significance.

Ambry Genetics
Classification: Uncertain significance for Inborn genetic diseases. Last evaluated: 2023-12-17. Review status: criteria provided, single submitter. Criteria: Ambry Variant Classification Scheme 2023. Collection method: clinical testing. Allele origin: germline.

NM_005921.2(MAP3K1):c.13G>C (p.Ala5Pro)

Genes: MAP3K1 (mitogen-activated protein kinase kinase kinase 1; plus strand), LOC129993918 (ATAC-STARR-seq lymphoblastoid silent region 16021; plus strand). Cytogenetic location: 5q11.2.
Variant type: single nucleotide variant.
Coding change: c.13G>C on transcript NM_005921.2 (MANE Select); coding-DNA position 13, G replaced by C.
Protein change: p.Ala5Pro; replaces alanine 5 with proline.
Molecular consequence: missense variant.
Genome position (GRCh38, 1-based): chr5:56,815,586, G>C. VCF-style: chr5-56815586-G-C. GRCh37 (hg19) VCF-style: chr5-56111413-G-C.
Other names: c.13G>C (NM_005921.1); short protein forms A5P.
Identifiers: ClinVar variation 1917474 (VCV001917474.6), dbSNP rs2530790408, ClinGen allele CA359801006.